The following is an entry in ClinVar:

NM_001032382.2(PQBP1):c.784A>C (p.Lys262Gln)

Gene: PQBP1 (polyglutamine binding protein 1; plus strand). Cytogenetic location: Xp11.23.
Variant type: single nucleotide variant.
Coding change: c.784A>C on transcript NM_001032382.2 (MANE Select); coding-DNA position 784, A replaced by C.
Protein change: p.Lys262Gln; replaces lysine 262 with glutamine.
Molecular consequence: missense variant.
Genome position (GRCh38, 1-based): chrX:48,903,070, A>C. VCF-style: chrX-48903070-A-C. GRCh37 (hg19) VCF-style: chrX-48760347-A-C.
Other names: c.784A>C, p.Lys262Gln (NM_001032381.2, NM_001032383.2, NM_001032384.1 and 1 more transcripts); c.781A>C, p.Lys261Gln (NM_001167989.2); c.760A>C, p.Lys254Gln (NM_001167990.2); c.484A>C, p.Lys162Gln (NM_001167992.1); c.499A>C, p.Lys167Gln (NM_144495.3); short protein forms K162Q, K167Q, K254Q, K261Q, K262Q.
Identifiers: ClinVar variation 1690988 (VCV001690988.2), dbSNP rs1569510706, ClinGen allele CA412891981.
Genomic context (GRCh38, chrX:48,903,070, plus strand): 5'-CAGCGGCCGTATCCATCCCCAGGGGCTGTGCTCCGGGCCAATGCAGAGGCCTCCCGAACC[A>C]AGCAGCAGGATTGAAGCTTCGGCCTCCCTGGCCCTGGGTTAAAATAAAAGCTTTCTGGTG-3'
Protein context (NP_001027554.1, residues 252-265): LRANAEASRT[Lys262Gln]QQD

ClinVar aggregate classification (germline): Uncertain significance (1 of 4 stars; one submission).

Submission:

Laboratorio de Genetica e Diagnostico Molecular, Hospital Israelita Albert Einstein
Classification: Uncertain significance. Last evaluated: 2020-12-14. Review status: criteria provided, single submitter. Criteria: ACMG Guidelines, 2015. Collection method: clinical testing. Allele origin: germline. Affected: yes.
Comment: ACMG classification criteria: PM2, BP4